The following is an entry in ClinVar:

NM_000085.5(CLCNKB):c.708C>A (p.Tyr236Ter)

Genes: CLCNKB (chloride voltage-gated channel Kb; plus strand), LOC106501713 (CLCNKB recombination region; plus strand). Cytogenetic location: 1p36.13.
Variant type: single nucleotide variant.
Coding change: c.708C>A on transcript NM_000085.5 (MANE Select); coding-DNA position 708, C replaced by A.
Protein change: p.Tyr236Ter; replaces tyrosine 236 with a stop codon.
Molecular consequence: nonsense.
Genome position (GRCh38, 1-based): chr1:16,049,172, C>A. VCF-style: chr1-16049172-C-A. GRCh37 (hg19) VCF-style: chr1-16375667-C-A.
Other names: c.201C>A, p.Tyr67Ter (NM_001165945.2); short protein forms Y67*, Y236*.
Identifiers: ClinVar variation 801447 (VCV000801447.6), dbSNP rs201781905, ClinGen allele CA623482.

ClinVar aggregate classification (germline): Pathogenic. Review status: criteria provided, multiple submitters, no conflicts (2 of 4 stars). 3 submissions from 3 submitters: Pathogenic (3). Last evaluated 2022-05-23.

Conditions:
Bartter disease type 3. Also called: Bartter syndrome type 3. Identifiers: Orphanet 112, Orphanet 93605, MedGen C1846343, MONDO:0011822, OMIM 607364.
Bartter disease type 4B. Also called: BARTTER SYNDROME, TYPE 4B; BARTTER SYNDROME, TYPE 4B, NEONATAL, WITH SENSORINEURAL DEAFNESS; Bartter syndrome, type 4b, digenic. Identifiers: Orphanet 112, MedGen C4310805, MONDO:0000909, OMIM 613090.

Allele frequency attached by ClinVar (database versions not stated): ExAC 0.00001; gnomAD exomes 0.00002; gnomAD 0.00006.
gnomAD v4.1: 13 of 1,613,392 alleles (0.00081%); highest among the groups gnomAD compares: African/African-American, 0.0013%; no homozygotes.

Submissions (3):

Fulgent Genetics
Classification: Pathogenic for Bartter disease type 3; Bartter disease type 4B. Last evaluated: 2022-05-23. Review status: criteria provided, single submitter. Criteria: ACMG Guidelines, 2015. Collection method: clinical testing. Allele origin: unknown.

Labcorp Genetics (formerly Invitae), Labcorp
Classification: Pathogenic. Last evaluated: 2022-01-01. Review status: criteria provided, single submitter. Criteria: Invitae Variant Classification Sherloc (09022015). Collection method: clinical testing. Allele origin: germline.
Comment: For these reasons, this variant has been classified as Pathogenic. ClinVar contains an entry for this variant (Variation ID: 801447). This premature translational stop signal has been observed in individual(s) with Bartter syndrome (PMID: 28381550). This variant is present in population databases (rs201781905, gnomAD 0.005%). This sequence change creates a premature translational stop signal (p.Tyr236*) in the CLCNKB gene. It is expected to result in an absent or disrupted protein product. Loss-of-function variants in CLCNKB are known to be pathogenic (PMID: 24830959, 26920127, 28381550, 29254190).

Mendelics
Classification: Pathogenic for Bartter disease type 3. Last evaluated: 2019-05-28. Review status: criteria provided, single submitter. Criteria: Mendelics Assertion Criteria 2017. Collection method: clinical testing. Allele origin: unknown.

Literature cited by the submitters: PubMed 28381550 (cited by Labcorp Genetics (formerly Invitae), Labcorp); PubMed 24830959 (cited by Labcorp Genetics (formerly Invitae), Labcorp); PubMed 26920127 (cited by Labcorp Genetics (formerly Invitae), Labcorp); PubMed 29254190 (cited by Labcorp Genetics (formerly Invitae), Labcorp).